The following is an entry in ClinVar:

ClinVar aggregate classification (germline): Pathogenic (1 of 4 stars; one submission).

Conditions:
Hypertrophic cardiomyopathy 26. Also called: Cardiomyopathy, familial hypertrophic, 26. Identifiers: Orphanet 75249, MedGen C4310749, MONDO:0014883, OMIM 617047.
Myofibrillar myopathy 5. Also called: Filaminopathy (type); FILAMINOPATHY, AUTOSOMAL DOMINANT. Identifiers: Orphanet 171445, MedGen C1836050, MONDO:0012289, OMIM 609524.
Distal myopathy with posterior leg and anterior hand involvement. Also called: WILLIAMS DISTAL MYOPATHY. Identifiers: Orphanet 63273, MedGen C3279722, MONDO:0013550, OMIM 614065.

Submission:

Labcorp Genetics (formerly Invitae), Labcorp
Classification: Pathogenic for Distal myopathy with posterior leg and anterior hand involvement; Myofibrillar myopathy 5; Hypertrophic cardiomyopathy 26. Last evaluated: 2023-11-06. Review status: criteria provided, single submitter. Criteria: Invitae Variant Classification Sherloc (09022015). Collection method: clinical testing. Allele origin: germline.
Comment: This sequence change creates a premature translational stop signal (p.Phe92Serfs*4) in the FLNC gene. It is expected to result in an absent or disrupted protein product. Loss-of-function variants in FLNC are known to be pathogenic (PMID: 27908349). This variant is not present in population databases (gnomAD no frequency). This variant has not been reported in the literature in individuals affected with FLNC-related conditions. For these reasons, this variant has been classified as Pathogenic.

Literature cited by the submitters: PubMed 27908349.

NM_001458.5(FLNC):c.273del (p.Phe92fs)

Gene: FLNC (filamin C; plus strand). Cytogenetic location: 7q32.1.
Variant type: Deletion.
Coding change: c.273del on transcript NM_001458.5 (MANE Select); coding-DNA position 273, one base deleted (C; older notation c.273delC).
Protein change: p.Phe92fs; shifts the reading frame from phenylalanine 92.
Molecular consequence: frameshift variant.
Genome position (GRCh38, 1-based): chr7:128,830,910, C deleted. VCF-style (leftmost placement, unchanged base first): chr7-128830909-AC-A. GRCh37 (hg19) VCF-style: chr7-128470963-AC-A.
Other names: c.273del, p.Phe92fs (NM_001127487.2); short protein forms F92fs.
Identifiers: ClinVar variation 2953603 (VCV002953603.3), dbSNP rs2536605624, ClinGen allele CA2740097529.